The following is an entry in ClinVar:

ClinVar aggregate classification (germline): Uncertain significance (1 of 4 stars; one submission).

Conditions:
Neuropathy, hereditary sensory and autonomic, type 2A (HSAN2A). Also called: MORVAN DISEASE; NEUROPATHY, CONGENITAL SENSORY; NEUROPATHY, HEREDITARY SENSORY RADICULAR, AUTOSOMAL RECESSIVE; NEUROPATHY, HEREDITARY SENSORY, TYPE IIA; NEUROPATHY, PROGRESSIVE SENSORY, OF CHILDREN; ACROOSTEOLYSIS, GIACCAI TYPE. Identifiers: Orphanet 970, MedGen C2752089, MONDO:0024309, OMIM 201300.
Generalized epilepsy with febrile seizures plus, type 7 (GEFSP7). Also called: GEFS+, TYPE 7. Identifiers: Orphanet 36387, MedGen C2751778, MONDO:0013470, OMIM 613863.

Submission:

Labcorp Genetics (formerly Invitae), Labcorp
Classification: Uncertain significance for Neuropathy, hereditary sensory and autonomic, type 2A; Generalized epilepsy with febrile seizures plus, type 7. Last evaluated: 2023-11-07. Review status: criteria provided, single submitter. Criteria: Invitae Variant Classification Sherloc (09022015). Collection method: clinical testing. Allele origin: germline.
Comment: This sequence change replaces aspartic acid, which is acidic and polar, with glutamic acid, which is acidic and polar, at codon 311 of the SCN9A protein (p.Asp311Glu). This variant is not present in population databases (gnomAD no frequency). This variant has not been reported in the literature in individuals affected with SCN9A-related conditions. Advanced modeling of protein sequence and biophysical properties (such as structural, functional, and spatial information, amino acid conservation, physicochemical variation, residue mobility, and thermodynamic stability) performed at Invitae indicates that this missense variant is not expected to disrupt SCN9A protein function with a negative predictive value of 95%. In summary, the available evidence is currently insufficient to determine the role of this variant in disease. Therefore, it has been classified as a Variant of Uncertain Significance.

NM_001365536.1(SCN9A):c.933T>A (p.Asp311Glu)

Genes: SCN9A (sodium voltage-gated channel alpha subunit 9; minus strand), SCN1A-AS1 (SCN1A and SCN9A antisense RNA 1; plus strand). Cytogenetic location: 2q24.3.
Variant type: single nucleotide variant.
Coding change: c.933T>A on transcript NM_001365536.1 (MANE Select); coding-DNA position 933, T replaced by A.
Protein change: p.Asp311Glu; replaces aspartic acid 311 with glutamic acid.
Molecular consequence: missense variant. On other transcripts: non-coding transcript variant (1).
Genome position (GRCh38, 1-based): chr2:166,294,631, A>T on the plus strand (T>A on the coding strand, the complement: SCN9A is on the minus strand). VCF-style: chr2-166294631-A-T. GRCh37 (hg19) VCF-style: chr2-167151141-A-T.
Other names: c.933T>A, p.Asp311Glu (NM_002977.4); short protein forms D311E.
Identifiers: ClinVar variation 2936066 (VCV002936066.3), dbSNP rs1553492770, ClinGen allele CA349089724.